The following is an entry in ClinVar:

NC_000017.10:g.(?_19246632)_(19578885_?)dup

Genes: ALDH3A2 (aldehyde dehydrogenase 3 family member A2; plus strand), B9D1 (B9 domain containing 1; minus strand), MAPK7 (mitogen-activated protein kinase 7; plus strand), MFAP4 (microfibril associated protein 4; minus strand), RNF112 (ring finger protein 112; plus strand) and 1 more. Cytogenetic location: 17p11.2.
Variant type: Duplication.
Identifiers: ClinVar variation 2422990 (VCV002422990.3).

ClinVar aggregate classification (germline): Uncertain significance (1 of 4 stars; one submission).

Submission:

Labcorp Genetics (formerly Invitae), Labcorp
Classification: Uncertain significance. Last evaluated: 2022-09-13. Review status: criteria provided, single submitter. Criteria: Invitae Variant Classification Sherloc (09022015). Collection method: clinical testing. Allele origin: germline.
Comment: A copy number gain of the genomic region encompassing the full coding sequence of the ALDH3A2 gene has been identified. The boundaries of this event are unknown as they extend beyond the assayed region for this gene and therefore may encompass additional genes. As the precise location of this event is unknown, it may be in tandem or it may be located elsewhere in the genome. This variant has not been reported in the literature in individuals affected with ALDH3A2-related conditions. In summary, the available evidence is currently insufficient to determine the role of this variant in disease. Therefore, it has been classified as a Variant of Uncertain Significance.